The following is an entry in ClinVar:

NC_000001.10:g.(?_40767464)_(40768877_?)del

Gene: COL9A2 (collagen type IX alpha 2 chain; minus strand). Cytogenetic location: 1p34.2.
Variant type: Deletion.
Identifiers: ClinVar variation 3247913 (VCV003247913.1).

ClinVar aggregate classification (germline): Uncertain significance (1 of 4 stars; one submission).

Submission:

Labcorp Genetics (formerly Invitae), Labcorp
Classification: Uncertain significance. Last evaluated: 2023-12-21. Review status: criteria provided, single submitter. Criteria: Invitae Variant Classification Sherloc (09022015). Collection method: clinical testing. Allele origin: unknown.
Comment: This variant is a gross deletion of the genomic region encompassing exon(s) 29-31 of the COL9A2 gene. While this deletion is not anticipated to lead to nonsense mediated decay, it is expected to disrupt the C-terminus of the protein. This variant has not been reported in the literature in individuals affected with COL9A2-related conditions. In summary, the available evidence is currently insufficient to determine the role of this variant in disease. Therefore, it has been classified as a Variant of Uncertain Significance.